The following is an entry in ClinVar:

ClinVar aggregate classification (germline): Uncertain significance (1 of 4 stars; one submission).

Conditions:
Early-infantile DEE. Also called: Early infantile epileptic encephalopathy; Early infantile epileptic encephalopathy with suppression bursts; Ohtahara syndrome. Identifiers: Orphanet 1934, MedGen C0393706, MONDO:0800491.

Submission:

Labcorp Genetics (formerly Invitae), Labcorp
Classification: Uncertain significance for Early-infantile DEE. Last evaluated: 2023-07-07. Review status: criteria provided, single submitter. Criteria: Invitae Variant Classification Sherloc (09022015). Collection method: clinical testing. Allele origin: germline.
Comment: In summary, the available evidence is currently insufficient to determine the role of this variant in disease. Therefore, it has been classified as a Variant of Uncertain Significance. Advanced modeling of protein sequence and biophysical properties (such as structural, functional, and spatial information, amino acid conservation, physicochemical variation, residue mobility, and thermodynamic stability) performed at Invitae indicates that this missense variant is not expected to disrupt SCN8A protein function. This variant has not been reported in the literature in individuals affected with SCN8A-related conditions. This variant is not present in population databases (gnomAD no frequency). This sequence change replaces isoleucine, which is neutral and non-polar, with valine, which is neutral and non-polar, at codon 1280 of the SCN8A protein (p.Ile1280Val).

NM_001330260.2(SCN8A):c.3838A>G (p.Ile1280Val)

Gene: SCN8A (sodium voltage-gated channel alpha subunit 8; plus strand). Cytogenetic location: 12q13.13.
Variant type: single nucleotide variant.
Coding change: c.3838A>G on transcript NM_001330260.2 (MANE Select); coding-DNA position 3838, A replaced by G.
Protein change: p.Ile1280Val; replaces isoleucine 1280 with valine.
Molecular consequence: missense variant. On other transcripts: intron variant (2).
Genome position (GRCh38, 1-based): chr12:51,780,667, A>G. VCF-style: chr12-51780667-A-G. GRCh37 (hg19) VCF-style: chr12-52174451-A-G.
Other names: c.3838A>G, p.Ile1280Val (NM_014191.4); c.3820-5875A>G (NM_001177984.3, NM_001369788.1); short protein forms I1280V.
Identifiers: ClinVar variation 2790389 (VCV002790389.3), dbSNP rs2540292378, ClinGen allele CA384900917.
Genomic context (GRCh38, chr12:51,780,667, plus strand): 5'-TTACCTTTTTTGTTTTTGTTTTTCTCTTCTGTTTCTGTGTAGGTCTCTTTAGTCAGCCTT[A>G]TAGCTAATGCCCTGGGCTACTCGGAACTAGGTGCCATAAAGTCCCTTAGGACCCTAAGAG-3'
Protein context (NP_001317189.1, residues 1270-1290): LIVAVSLVSL[Ile1280Val]ANALGYSELG